The following is an entry in ClinVar:

ClinVar aggregate classification (germline): Conflicting classifications of pathogenicity. Review status: criteria provided, conflicting classifications (1 of 4 stars). 4 submissions from 4 submitters: Uncertain significance (3); Likely benign (1). Last evaluated 2025-08-08.

Conditions:
Inborn genetic diseases. Identifiers: MedGen C0950123, MeSH D030342.

Allele frequency attached by ClinVar (database versions not stated): gnomAD exomes 0.00003; ExAC 0.00009; gnomAD 0.00027; TOPMed 0.00028; ESP Exome Variant Server 0.00038; 1000 Genomes Project 0.00060; 1000 Genomes Project 30x 0.00062.
gnomAD v4.1: 81 of 1,614,090 alleles (0.005%); highest among the groups gnomAD compares: African/African-American, 0.1%; no homozygotes.

Submissions (4):

Ambry Genetics
Classification: Uncertain significance for Inborn genetic diseases. Last evaluated: 2025-08-08. Review status: criteria provided, single submitter. Criteria: Ambry Variant Classification Scheme 2023. Collection method: clinical testing. Allele origin: germline.

Labcorp Genetics (formerly Invitae), Labcorp
Classification: Likely benign. Last evaluated: 2025-07-13. Review status: criteria provided, single submitter. Criteria: Invitae Variant Classification Sherloc (09022015). Collection method: clinical testing. Allele origin: germline.

Blueprint Genetics
Classification: Uncertain significance. Last evaluated: 2024-09-02. Review status: criteria provided, single submitter. Criteria: ACMG Guidelines, 2015. Collection method: clinical testing. Allele origin: germline.

GeneDx
Classification: Uncertain significance. Last evaluated: 2024-07-31. Review status: criteria provided, single submitter. Criteria: GeneDx Variant Classification Process June 2021. Collection method: clinical testing. Allele origin: germline. Affected: yes.
Comment: In silico analysis indicates that this missense variant does not alter protein structure/function; Has not been previously published as pathogenic or benign to our knowledge

NM_000233.4(LHCGR):c.1916G>A (p.Ser639Asn)

Genes: STON1-GTF2A1L (STON1-GTF2A1L readthrough; plus strand), LHCGR (luteinizing hormone/choriogonadotropin receptor; minus strand). Cytogenetic location: 2p16.3.
Variant type: single nucleotide variant.
Coding change: c.1916G>A on transcript NM_000233.4 (MANE Select); coding-DNA position 1916, G replaced by A.
Protein change: p.Ser639Asn; replaces serine 639 with asparagine.
Molecular consequence: missense variant. On other transcripts: intron variant (1).
Genome position (GRCh38, 1-based): chr2:48,687,881, C>T on the plus strand (G>A on the coding strand, the complement: LHCGR is on the minus strand). VCF-style: chr2-48687881-C-T. GRCh37 (hg19) VCF-style: chr2-48915020-C-T.
Other names: c.3441+16201C>T (NM_001198593.2); c.1916G>A (NM_000233.3); short protein forms S639N.
Identifiers: ClinVar variation 2174854 (VCV002174854.7), dbSNP rs149766676, ClinGen allele CA1652970.
Genomic context (GRCh38, chr2:48,687,881, plus strand): 5'-TAAGCTGAAAAATCTTTCCTTCTATAAAGTTCAGCCCGACGTTTACAGCAGCCAAATTTG[C>T]TCAGCAAAAGAAAGAAATCTCTTTGGAATGTCTTAGTGAATATTGCATACAGAAATGGAT-3'
Protein context (NP_000224.2, residues 629-649): TFQRDFFLLL[Ser639Asn]KFGCCKRRAE